The following is an entry in ClinVar:

NM_000152.5(GAA):c.1903A>G (p.Asn635Asp)

Gene: GAA (alpha glucosidase; plus strand). Cytogenetic location: 17q25.3.
Variant type: single nucleotide variant.
Coding change: c.1903A>G on transcript NM_000152.5 (MANE Select); coding-DNA position 1903, A replaced by G.
Protein change: p.Asn635Asp; replaces asparagine 635 with aspartic acid.
Molecular consequence: missense variant.
Genome position (GRCh38, 1-based): chr17:80,112,890, A>G. VCF-style: chr17-80112890-A-G. GRCh37 (hg19) VCF-style: chr17-78086689-A-G.
Other names: p.Asn635Asp; NM_000152.5(GAA):c.1903A>G; c.1903A>G, p.Asn635Asp (NM_001079803.3, NM_001079804.3); short protein forms N635D.
Identifiers: ClinVar variation 1348299 (VCV001348299.19), dbSNP rs2143891559, ClinGen allele CA401369854.
Genomic context (GRCh38, chr17:80,112,890, plus strand): 5'-GCTCTGCTGCAGCAGCCTGAGGACCAGCCTGACTCTGCCCTCCCAGAAATCCTGCAGTTT[A>G]ACCTGCTGGGGGTGCCTCTGGTCGGGGCCGACGTCTGCGGCTTCCTGGGCAACACCTCAG-3'
Protein context (NP_000143.2, residues 625-645): ASSVPEILQF[Asn635Asp]LLGVPLVGAD

ClinVar aggregate classification (germline): Likely pathogenic. Review status: reviewed by expert panel (3 of 4 stars). 6 submissions from 6 submitters: Likely pathogenic (1). 5 of the submissions do not count toward it. Last evaluated 2023-12-20.

Conditions:
Glycogen storage disease, type II (IOPD). Also called: GLYCOGENOSIS, GENERALIZED, CARDIAC FORM; GSD II; Glycogen storage disease type 2; Acid maltase deficiency disease; Aglucosidase alfa; Deficiency of alpha-glucosidase. Identifiers: Orphanet 365, MedGen C0017921, MONDO:0009290, OMIM 232300.

Allele frequency attached by ClinVar (database versions not stated): gnomAD exomes below 0.00001.
gnomAD v4.1: 4 of 1,609,654 alleles (0.00025%); highest among the groups gnomAD compares: Non-Finnish European, 0.00034%; no homozygotes.

Submissions (6):

ClinGen Lysosomal Storage Disorder Variant Curation Expert Panel
Classification: Likely pathogenic for Glycogen storage disease, type II. Last evaluated: 2023-12-20. Review status: reviewed by expert panel. Criteria: clingen_lsd_acmg_specifications_v2-1. Collection method: curation. Allele origin: germline. Inheritance: Autosomal recessive inheritance.
Comment: The NM_000152.5:c.1903A>G variant in GAA is predicted to result in a missense substitution from asparagine to aspartate at amino acid 635 (p.Asn635Asp). The variant has been identified in at least 3 probands, all identified by positive newborn screen, with confirmatory GAA activity in dried blood spot of 1.0, 1.3, and 1.34 pmol/punch/hour (affected range <3.88); pseudodeficiency variants are confirmed to be absent (Clinical Diagnostic Laboratory, PMID: 37087815) (PP4_Moderate). Each of these individuals is compound heterozygous for the variant and another variant in GAA that has been classified as pathogenic by the ClinGen LD VCEP, either c.2238G>C (p.Trp746Cys), c.2560C>T (p.Arg854Ter), and c.-32-13T>G; phase not confirmed (Clinical diagnostic laboratory) (PM3). The highest population minor allele frequency in gnomAD v4.0. is 0.000003602 (4/1110350 alleles) in the European non-Finnish population, which is lower than the ClinGen Lysosomal Diseases VCEP’s threshold for PM2_Supporting (<0.001), meeting this criterion (PM2_Supporting). The computational predictor REVEL gives a score of 0.518 which is neither above nor below the thresholds predicting a damaging (>0.7) or benign (<0.5) impact on GAA function. Another missense variant at the same amino acid position, c.1905C>A (p.Asn635Lys), has been reported in four Brazilian probands with Pompe disease (PMID: 19588081) and has been classified as likely pathogenic by the ClinGen LD VCEP (PM5_Supporting). There is a ClinVar entry for this variant (Variation ID: 1348299). In summary, this variant meets the criteria to e classified as likely pathogenic for Pompe disease. GAA-specific ACMG/AMP criteria met, as specified by the ClinGen Lysosomal Diseases Variant Curation Expert Panel (Specifications Version 2.0): PM3, PP4_Moderate, PM2_Supporting, PM5_Supporting. (Classification approved by the ClinGen Lysosomal Diseases Variant Curation Expert Panel on December 20, 2023).

Genomenon, Inc
Classification: Uncertain significance for Glycogen storage disease, type II. Last evaluated: 2026-07-01. Review status: criteria provided, single submitter. Criteria: Genomenon Sequence Variant Interpretation Standards - Updated. Collection method: curation. Allele origin: germline. Not counted in ClinVar's aggregate classification.
Comment: GAA p.Asn635Asp (c.1903A>G) is a missense variant that changes the amino acid at codon 635 from Asparagine to Aspartic acid. This variant has been reported in the compound heterozygous and/or homozygous state in an individual without a confirmed diagnosis of Pompe disease (PMID:37087815). It is absent or not present at a significant frequency in gnomAD. In conclusion, we classify GAA p.Asn635Asp (c.1903A>G) as a variant of uncertain significance.

Labcorp Genetics (formerly Invitae), Labcorp
Classification: Likely pathogenic for Glycogen storage disease, type II. Last evaluated: 2025-10-21. Review status: criteria provided, single submitter. Criteria: Invitae Variant Classification Sherloc (09022015). Collection method: clinical testing. Allele origin: germline. Not counted in ClinVar's aggregate classification.
Comment: This sequence change replaces asparagine, which is neutral and polar, with aspartic acid, which is acidic and polar, at codon 635 of the GAA protein (p.Asn635Asp). This variant is not present in population databases (gnomAD no frequency). This variant has not been reported in the literature in individuals affected with GAA-related conditions. ClinVar contains an entry for this variant (Variation ID: 1348299). Invitae Evidence Modeling of protein sequence and biophysical properties (such as structural, functional, and spatial information, amino acid conservation, physicochemical variation, residue mobility, and thermodynamic stability) indicates that this missense variant is expected to disrupt GAA protein function with a positive predictive value of 95%. This variant disrupts the p.Asn635 amino acid residue in GAA. Other variant(s) that disrupt this residue have been determined to be pathogenic (PMID: 19588081). This suggests that this residue is clinically significant, and that variants that disrupt this residue are likely to be disease-causing. In summary, the currently available evidence indicates that the variant is pathogenic, but additional data are needed to prove that conclusively. Therefore, this variant has been classified as Likely Pathogenic.

Fulgent Genetics
Classification: Likely pathogenic for Glycogen storage disease, type II. Last evaluated: 2024-04-25. Review status: criteria provided, single submitter. Criteria: ACMG Guidelines, 2015. Collection method: clinical testing. Allele origin: germline. Not counted in ClinVar's aggregate classification.

Revvity Omics, Revvity
Classification: Likely pathogenic. Last evaluated: 2022-05-06. Review status: criteria provided, single submitter. Criteria: ACMG Guidelines, 2015. Collection method: clinical testing. Allele origin: germline. Not counted in ClinVar's aggregate classification.

Mayo Clinic Laboratories, Mayo Clinic
Classification: Uncertain significance. Last evaluated: 2021-12-30. Review status: criteria provided, single submitter. Criteria: ACMG Guidelines, 2015. Collection method: clinical testing. Allele origin: germline. Not counted in ClinVar's aggregate classification.

Literature cited by the submitters: PubMed 37087815 (cited by Genomenon, Inc); PubMed 19588081 (cited by Labcorp Genetics (formerly Invitae), Labcorp).